The following is an entry in ClinVar:

ClinVar aggregate classification (germline): Uncertain significance (1 of 4 stars; one submission).

Allele frequency attached by ClinVar (database versions not stated): ExAC 0.00006; 1000 Genomes Project 30x 0.00016.
gnomAD v4.1: 2 of 1,551,286 alleles (0.00013%); highest among the groups gnomAD compares: Admixed American, 0.0019%; no homozygotes.

Submission:

Labcorp Genetics (formerly Invitae), Labcorp
Classification: Uncertain significance. Last evaluated: 2025-08-18. Review status: criteria provided, single submitter. Criteria: Invitae Variant Classification Sherloc (09022015). Collection method: clinical testing. Allele origin: germline.
Comment: This sequence change replaces alanine, which is neutral and non-polar, with glutamic acid, which is acidic and polar, at codon 234 of the PRDM13 protein (p.Ala234Glu). The frequency data for this variant in the population databases is considered unreliable, as metrics indicate poor data quality at this position in the gnomAD database. This variant has not been reported in the literature in individuals affected with PRDM13-related conditions. ClinVar contains an entry for this variant (Variation ID: 2978111). An algorithm developed to predict the effect of missense changes on protein structure and function (PolyPhen-2) suggests that this variant is likely to be tolerated. In summary, the available evidence is currently insufficient to determine the role of this variant in disease. Therefore, it has been classified as a Variant of Uncertain Significance.

NM_021620.4(PRDM13):c.701C>A (p.Ala234Glu)

Gene: PRDM13 (PR/SET domain 13; plus strand). Cytogenetic location: 6q16.2.
Variant type: single nucleotide variant.
Coding change: c.701C>A on transcript NM_021620.4 (MANE Select); coding-DNA position 701, C replaced by A.
Protein change: p.Ala234Glu; replaces alanine 234 with glutamic acid.
Molecular consequence: missense variant.
Genome position (GRCh38, 1-based): chr6:99,613,336, C>A. VCF-style: chr6-99613336-C-A. GRCh37 (hg19) VCF-style: chr6-100061212-C-A.
Other names: short protein forms A234E.
Identifiers: ClinVar variation 2978111 (VCV002978111.3), dbSNP rs778602675, ClinGen allele CA3936264.
Genomic context (GRCh38, chr6:99,613,336, plus strand): 5'-GCCCGCCACCAGTTCAGGCCTGCGGTGCGCGGGAGGGCATCAAGCGCGAGGCCTCTTCCG[C>A]GCCCTCGGCCACCTCGCCGACCCCAGGCAAGTGGGGGCAGCCCAAGAAGGGCAAGGAGCA-3'
Protein context (NP_067633.2, residues 224-244): REGIKREASS[Ala234Glu]PSATSPTPGK